The following is an entry in ClinVar:

NM_001282933.2(ZNF341):c.2467G>A (p.Gly823Arg)

Genes: ZNF341 (zinc finger protein 341; plus strand), ZNF341-AS1 (ZNF341 antisense RNA 1; minus strand). Cytogenetic location: 20q11.22.
Variant type: single nucleotide variant.
Coding change: c.2467G>A on transcript NM_001282933.2 (MANE Select); coding-DNA position 2467, G replaced by A.
Protein change: p.Gly823Arg; replaces glycine 823 with arginine.
Molecular consequence: missense variant. On other transcripts: non-coding transcript variant (1).
Genome position (GRCh38, 1-based): chr20:33,791,419, G>A. VCF-style: chr20-33791419-G-A. GRCh37 (hg19) VCF-style: chr20-32379225-G-A.
Other names: c.2197G>A, p.Gly733Arg (NM_001282935.2); c.2446G>A, p.Gly816Arg (NM_032819.5); short protein forms G733R, G823R, G816R.
Identifiers: ClinVar variation 2879958 (VCV002879958.3), dbSNP rs772077716, ClinGen allele CA9819815.

ClinVar aggregate classification (germline): Uncertain significance (1 of 4 stars; one submission).

gnomAD v4.1: 7 of 1,611,770 alleles (0.00043%); highest among the groups gnomAD compares: Admixed American, 0.0083%; no homozygotes.

Submission:

Labcorp Genetics (formerly Invitae), Labcorp
Classification: Uncertain significance. Last evaluated: 2023-10-18. Review status: criteria provided, single submitter. Criteria: Invitae Variant Classification Sherloc (09022015). Collection method: clinical testing. Allele origin: germline.
Comment: This sequence change replaces glycine, which is neutral and non-polar, with arginine, which is basic and polar, at codon 816 of the ZNF341 protein (p.Gly816Arg). This variant is present in population databases (rs772077716, gnomAD 0.01%). This variant has not been reported in the literature in individuals affected with ZNF341-related conditions. An algorithm developed to predict the effect of missense changes on protein structure and function (PolyPhen-2) suggests that this variant is likely to be tolerated. In summary, the available evidence is currently insufficient to determine the role of this variant in disease. Therefore, it has been classified as a Variant of Uncertain Significance.